The following is an entry in ClinVar:

ClinVar aggregate classification (germline): Uncertain significance. Review status: criteria provided, multiple submitters, no conflicts (2 of 4 stars). 4 submissions from 4 submitters: Uncertain significance (4). Last evaluated 2024-12-16.

Conditions:
Inborn genetic diseases. Identifiers: MedGen C0950123, MeSH D030342.
Rothmund-Thomson syndrome type 2 (RTS2). Identifiers: Orphanet 221016, MedGen C5203410, MONDO:0016369, OMIM 268400.
Baller-Gerold syndrome (BGS). Also called: CRANIOSYNOSTOSIS WITH RADIAL DEFECTS. Identifiers: Orphanet 1225, MedGen C0265308, MONDO:0009039, OMIM 218600.

Allele frequency attached by ClinVar (database versions not stated): TOPMed 0.00001; gnomAD 0.00002 and 0.00003; gnomAD exomes 0.00003 and 0.00004; ExAC 0.00005; ESP Exome Variant Server 0.00008; 1000 Genomes Project 30x 0.00031.
gnomAD v4.1: 52 of 1,557,986 alleles (0.0033%); highest among the groups gnomAD compares: African/African-American, 0.0082%; no homozygotes.

Submissions (4):

Ambry Genetics
Classification: Uncertain significance for Inborn genetic diseases. Last evaluated: 2024-12-16. Review status: criteria provided, single submitter. Criteria: Ambry Variant Classification Scheme 2023. Collection method: clinical testing. Allele origin: germline.

Mayo Clinic Laboratories, Mayo Clinic
Classification: Uncertain significance. Last evaluated: 2024-06-21. Review status: criteria provided, single submitter. Criteria: ACMG Guidelines, 2015. Collection method: clinical testing. Allele origin: germline. Observed: 1 variant allele.
Comment: BP4

Labcorp Genetics (formerly Invitae), Labcorp
Classification: Uncertain significance for Baller-Gerold syndrome. Last evaluated: 2023-10-23. Review status: criteria provided, single submitter. Criteria: Invitae Variant Classification Sherloc (09022015). Collection method: clinical testing. Allele origin: germline.
Comment: This sequence change replaces methionine, which is neutral and non-polar, with threonine, which is neutral and polar, at codon 680 of the RECQL4 protein (p.Met680Thr). This variant is present in population databases (rs372717152, gnomAD 0.01%). This variant has not been reported in the literature in individuals affected with RECQL4-related conditions. ClinVar contains an entry for this variant (Variation ID: 528958). Advanced modeling of protein sequence and biophysical properties (such as structural, functional, and spatial information, amino acid conservation, physicochemical variation, residue mobility, and thermodynamic stability) performed at Invitae indicates that this missense variant is not expected to disrupt RECQL4 protein function. In summary, the available evidence is currently insufficient to determine the role of this variant in disease. Therefore, it has been classified as a Variant of Uncertain Significance.

St. Jude Molecular Pathology, St. Jude Children's Research Hospital
Classification: Uncertain significance for Rothmund-Thomson syndrome type 2. Last evaluated: 2023-03-14. Review status: criteria provided, single submitter. Criteria: St. Jude Assertion Criteria 2020. Collection method: clinical testing. Allele origin: germline.
Comment: The RECQL4 c.2039T>C (p.Met680Thr) missense change has a maximum subpopulation frequency of 0.0090% in gnomAD v2.1.1. In silico tools predict a benign effect of this variant on protein function, but to our knowledge functional studies have not been performed. To our knowledge, this variant has not been reported in individuals with RECQL4-associated conditions. In summary, the evidence currently available is insufficient to determine the clinical significance of this variant. It has therefore been classified as of uncertain significance.

NM_004260.4(RECQL4):c.2039T>C (p.Met680Thr)

Gene: RECQL4 (RecQ like helicase 4; minus strand). Cytogenetic location: 8q24.3.
Variant type: single nucleotide variant.
Coding change: c.2039T>C on transcript NM_004260.4 (MANE Select); coding-DNA position 2039, T replaced by C.
Protein change: p.Met680Thr; replaces methionine 680 with threonine.
Molecular consequence: missense variant.
Genome position (GRCh38, 1-based): chr8:144,513,947, A>G on the plus strand (T>C on the coding strand, the complement: RECQL4 is on the minus strand). VCF-style: chr8-144513947-A-G. GRCh37 (hg19) VCF-style: chr8-145739331-A-G.
Other names: p.Met680Thr; short protein forms M680T.
Identifiers: ClinVar variation 528958 (VCV000528958.10), dbSNP rs372717152, ClinGen allele CA4948536.
Genomic context (GRCh38, chr8:144,513,947, plus strand): 5'-CAGCCAGGGCCCTGCAGGGTCCCCAGAGCACACACACCCACCTGGTCTGTGTCCCTGTCC[A>G]TGGACACGGAAAGGTGCAGGTTGGTGGGAACTGGGGCTGGCCCGTGGAGGTCAGGCTCTT-3'
Protein context (NP_004251.4, residues 670-690): VPTNLHLSVS[Met680Thr]DRDTDQALLT